The following is an entry in ClinVar:

ClinVar aggregate classification (germline): Uncertain significance (1 of 4 stars; one submission).

Submission:

Labcorp Genetics (formerly Invitae), Labcorp
Classification: Uncertain significance. Last evaluated: 2025-08-03. Review status: criteria provided, single submitter. Criteria: Invitae Variant Classification Sherloc (09022015). Collection method: clinical testing. Allele origin: germline.
Comment: This sequence change replaces histidine, which is basic and polar, with arginine, which is basic and polar, at codon 63 of the RNF113A protein (p.His63Arg). This variant is not present in population databases (gnomAD no frequency). This variant has not been reported in the literature in individuals affected with RNF113A-related conditions. Invitae Evidence Modeling of protein sequence and biophysical properties (such as structural, functional, and spatial information, amino acid conservation, physicochemical variation, residue mobility, and thermodynamic stability) indicates that this missense variant is not expected to disrupt RNF113A protein function with a negative predictive value of 80%. In summary, the available evidence is currently insufficient to determine the role of this variant in disease. Therefore, it has been classified as a Variant of Uncertain Significance.

NM_006978.3(RNF113A):c.188A>G (p.His63Arg)

Gene: RNF113A (ring finger protein 113A; minus strand). Cytogenetic location: Xq24.
Variant type: single nucleotide variant.
Coding change: c.188A>G on transcript NM_006978.3 (MANE Select); coding-DNA position 188, A replaced by G.
Protein change: p.His63Arg; replaces histidine 63 with arginine.
Molecular consequence: missense variant.
Genome position (GRCh38, 1-based): chrX:119,871,426, T>C on the plus strand (A>G on the coding strand, the complement: RNF113A is on the minus strand). VCF-style: chrX-119871426-T-C. GRCh37 (hg19) VCF-style: chrX-119005389-T-C.
Other names: short protein forms H63R.
Identifiers: ClinVar variation 4770852 (VCV004770852.1).
Genomic context (GRCh38, chrX:119,871,426, plus strand): 5'-AAGTCGCCGTAAGCCGCCTTCTGTTTACCACTGTCACGGGTCTTCTGTATCATTGGATTG[T>C]GGGTCACCCGCTTCTTTTCCGGTCGAACCACAGTGCAGCCTTCGTCGCTACTGCTGCCGC-3'
Protein context (NP_008909.1, residues 53-73): VVRPEKKRVT[His63Arg]NPMIQKTRDS